The following is an entry in ClinVar:

ClinVar aggregate classification (germline): Pathogenic (1 of 4 stars; one submission).

Conditions:
Hypertrophic cardiomyopathy 4. Also called: Familial hypertrophic cardiomyopathy 4. Identifiers: MedGen C1861862, MONDO:0007268, OMIM 115197.

Submission:

Agnes Ginges Centre for Molecular Cardiology, Centenary Institute
Classification: Pathogenic for Hypertrophic cardiomyopathy 4. Last evaluated: 2017-12-13. Review status: criteria provided, single submitter. Criteria: ACMG Guidelines, 2015. Collection method: research. Allele origin: germline. Affected: yes.
Comment: This MYBPC3 c.1227-1G>C variant has not been reported previously in literature. It is rare and is absent in the Exome Aggregation Consortium dataset and Genome Aggregation Database. This variant is a substitution mutation located in the acceptor splice site of intron 14. In silico splicing prediction tool MaxEntScan predicts that the variant is likely to result in aberrant splicing. A variant within the same acceptor splice site has been reported in 2 individuals with HCM and reported in the literature to segregate with disease within a HCM family (Richard et al., 2003). In summary, based on rarity in the general population and because loss of function variants in MYBPC3 are an established mechanism of disease in HCM, we classify MYBPC3 c.1227-1G>C as 'Pathogenic'.

NM_000256.3(MYBPC3):c.1227-1G>C

Gene: MYBPC3 (myosin binding protein C3; minus strand). Cytogenetic location: 11p11.2.
Variant type: single nucleotide variant.
Coding change: c.1227-1G>C on transcript NM_000256.3 (MANE Select); the canonical splice acceptor site of the intron before coding-DNA position 1227, G replaced by C.
Molecular consequence: splice acceptor variant.
Genome position (GRCh38, 1-based): chr11:47,343,146, C>G on the plus strand (G>C on the coding strand, the complement: MYBPC3 is on the minus strand). VCF-style: chr11-47343146-C-G. GRCh37 (hg19) VCF-style: chr11-47364697-C-G.
Identifiers: ClinVar variation 692124 (VCV000692124.3), dbSNP rs113276889, ClinGen allele CA380327760.